The following is an entry in ClinVar:

ClinVar aggregate classification (germline): Uncertain significance (1 of 4 stars; one submission).

Submission:

Labcorp Genetics (formerly Invitae), Labcorp
Classification: Uncertain significance. Last evaluated: 2018-07-10. Review status: criteria provided, single submitter. Criteria: Invitae Variant Classification Sherloc (09022015). Collection method: clinical testing. Allele origin: germline.
Comment: In summary, the available evidence is currently insufficient to determine the role of this variant in disease. Therefore, it has been classified as a Variant of Uncertain Significance. Algorithms developed to predict the effect of missense changes on protein structure and function (SIFT, PolyPhen-2, Align-GVGD) all suggest that this variant is likely to be disruptive, but these predictions have not been confirmed by published functional studies and their clinical significance is uncertain. This variant has not been reported in the literature in individuals with POLE-related disease. This variant is not present in population databases (ExAC no frequency). This sequence change replaces asparagine with lysine at codon 813 of the POLE protein (p.Asn813Lys). The asparagine residue is highly conserved and there is a moderate physicochemical difference between asparagine and lysine.

NM_006231.4(POLE):c.2439C>A (p.Asn813Lys)

Gene: POLE (DNA polymerase epsilon, catalytic subunit; minus strand). Cytogenetic location: 12q24.33.
Variant type: single nucleotide variant.
Coding change: c.2439C>A on transcript NM_006231.4 (MANE Select); coding-DNA position 2439, C replaced by A.
Protein change: p.Asn813Lys; replaces asparagine 813 with lysine.
Molecular consequence: missense variant.
Genome position (GRCh38, 1-based): chr12:132,665,331, G>T on the plus strand (C>A on the coding strand, the complement: POLE is on the minus strand). VCF-style: chr12-132665331-G-T. GRCh37 (hg19) VCF-style: chr12-133241917-G-T.
Other names: short protein forms N813K.
Identifiers: ClinVar variation 663915 (VCV000663915.8), dbSNP rs1593785243, ClinGen allele CA387397030.